The following is an entry in ClinVar:

NM_007294.4(BRCA1):c.5027T>C (p.Leu1676Ser)

Gene: BRCA1 (BRCA1 DNA repair associated; minus strand). Cytogenetic location: 17q21.31.
Variant type: single nucleotide variant.
Coding change: c.5027T>C on transcript NM_007294.4 (MANE Select); coding-DNA position 5027, T replaced by C.
Protein change: p.Leu1676Ser; replaces leucine 1676 with serine.
Molecular consequence: missense variant. On other transcripts: non-coding transcript variant (1).
Genome position (GRCh38, 1-based): chr17:43,067,655, A>G on the plus strand (T>C on the coding strand, the complement: BRCA1 is on the minus strand). VCF-style: chr17-43067655-A-G. GRCh37 (hg19) VCF-style: chr17-41219672-A-G.
Other names: c.4898T>C, p.Leu1633Ser (NM_001407683.1, NM_001407685.1, NM_001407686.1 and 6 more transcripts); c.5027T>C, p.Leu1676Ser (NM_001407684.1, NM_001407854.1, NM_001407593.1 and 8 more transcripts); c.4895T>C, p.Leu1632Ser (NM_001407690.1, NM_001407691.1); c.4886T>C, p.Leu1629Ser (NM_001407692.1, NM_001407694.1, NM_001407695.1 and 13 more transcripts); c.4883T>C, p.Leu1628Ser (NM_001407732.1, NM_001407733.1, NM_001407734.1 and 21 more transcripts); c.4880T>C, p.Leu1627Ser (NM_001407838.1, NM_001407839.1, NM_001407841.1 and 12 more transcripts); c.5024T>C, p.Leu1675Ser (NM_001407858.1, NM_001407859.1, NM_001407860.1 and 17 more transcripts); c.5021T>C, p.Leu1674Ser (NM_001407861.1, NM_001407627.1, NM_001407628.1 and 14 more transcripts); and 70 more; short protein forms L1379S, L1380S, L1549S, L1563S, L1586S, L1605S, L1634S, L1656S.
Identifiers: ClinVar variation 2046266 (VCV002046266.4), dbSNP rs786203754, ClinGen allele CA10591462.

ClinVar aggregate classification (germline): Uncertain significance (1 of 4 stars; one submission).

Conditions:
Hereditary breast ovarian cancer syndrome. Also called: Hereditary breast and ovarian cancer syndrome; Hereditary breast and/or ovarian cancer syndrome; BRCA1- and BRCA2-Associated Hereditary Breast and Ovarian Cancer; Hereditary breast and ovarian cancer syndrome (HBOC); Hereditary breast and ovarian cancer; Breast and ovarian cancer. Identifiers: Orphanet 145, MedGen C0677776, MeSH D061325, MONDO:0003582. Disease mechanism: loss of function.

Submission:

Labcorp Genetics (formerly Invitae), Labcorp
Classification: Uncertain significance for Hereditary breast ovarian cancer syndrome. Last evaluated: 2023-04-12. Review status: criteria provided, single submitter. Criteria: Invitae Variant Classification Sherloc (09022015). Collection method: clinical testing. Allele origin: germline.
Comment: In summary, the available evidence is currently insufficient to determine the role of this variant in disease. Therefore, it has been classified as a Variant of Uncertain Significance. Algorithms developed to predict the effect of sequence changes on RNA splicing suggest that this variant may create or strengthen a splice site. Advanced modeling of protein sequence and biophysical properties (such as structural, functional, and spatial information, amino acid conservation, physicochemical variation, residue mobility, and thermodynamic stability) has been performed at Invitae for this missense variant, however the output from this modeling did not meet the statistical confidence thresholds required to predict the impact of this variant on BRCA1 protein function. ClinVar contains an entry for this variant (Variation ID: 2046266). This variant has not been reported in the literature in individuals affected with BRCA1-related conditions. This variant is not present in population databases (gnomAD no frequency). This sequence change replaces leucine, which is neutral and non-polar, with serine, which is neutral and polar, at codon 1676 of the BRCA1 protein (p.Leu1676Ser).